The following is an entry in ClinVar:

NM_025114.4(CEP290):c.2247T>C (p.Leu749=)

Gene: CEP290 (centrosomal protein 290; minus strand). Cytogenetic location: 12q21.32.
Variant type: single nucleotide variant.
Coding change: c.2247T>C on transcript NM_025114.4 (MANE Select); coding-DNA position 2247, T replaced by C.
Protein change: p.Leu749=; no amino-acid change (leucine 749 retained).
Molecular consequence: synonymous variant.
Genome position (GRCh38, 1-based): chr12:88,111,322, A>G on the plus strand (T>C on the coding strand, the complement: CEP290 is on the minus strand). VCF-style: chr12-88111322-A-G. GRCh37 (hg19) VCF-style: chr12-88505099-A-G.
Other names: c.2247T>C (NM_025114.3).
Identifiers: ClinVar variation 1100290 (VCV001100290.10), dbSNP rs762072403, ClinGen allele CA481050209.
Genomic context (GRCh38, chr12:88,111,322, plus strand): 5'-TATCCCATCAGGTAAGTCAATTCCTTTAAAAACAACATTTGATCCTTCTGATTGTCGTAA[A>G]AGACTAGTTTCTTTTTCAAGATGGTCTATCTGGAAAAAAAAATCCAGCAATGAGAATCAC-3'
Protein context (NP_079390.3, residues 739-759): KIDHLEKETS[Leu749=]LRQSEGSNVV

ClinVar aggregate classification (germline): Likely benign. Review status: criteria provided, multiple submitters, no conflicts (2 of 4 stars). 2 submissions from 2 submitters: Likely benign (2). Last evaluated 2025-12-13.

Conditions:
CEP290-related disorder. Also called: CEP290-related condition; CEP290-related disorders. Identifiers: MedGen CN239314.
Meckel-Gruber syndrome. Also called: DYSENCEPHALIA SPLANCHNOCYSTICA; Dysencephalia splachnocystica; GRUBER SYNDROME. Identifiers: Orphanet 564, MedGen C0265215, MONDO:0018921.
Joubert syndrome. Also called: Familial aplasia of the vermis; JOUBERT-BOLTSHAUSER SYNDROME. Identifiers: Orphanet 475, MedGen C5979921, MONDO:0018772.
Nephronophthisis. Also called: Juvenile Nephronophthisis. Identifiers: Orphanet 655, MedGen C0687120, MONDO:0019005, HP:0000090.

Allele frequency attached by ClinVar (database versions not stated): TOPMed below 0.00001.
gnomAD v4.1: 2 of 1,565,226 alleles (0.00013%); highest among the groups gnomAD compares: Admixed American, 0.0019%; no homozygotes.

Submissions (2):

Labcorp Genetics (formerly Invitae), Labcorp
Classification: Likely benign for Joubert syndrome; Meckel-Gruber syndrome; Nephronophthisis. Last evaluated: 2025-12-13. Review status: criteria provided, single submitter. Criteria: Invitae Variant Classification Sherloc (09022015). Collection method: clinical testing. Allele origin: germline.

PreventionGenetics, part of Exact Sciences
Classification: Likely benign for CEP290-related condition. Last evaluated: 2025-04-22. Review status: criteria provided, single submitter. Criteria: ACMG Guidelines, 2015. Collection method: clinical testing. Allele origin: germline.
Comment: This variant is classified as likely benign based on ACMG/AMP sequence variant interpretation guidelines (Richards et al. 2015 PMID: 25741868, with internal and published modifications).